The following is an entry in ClinVar:

NM_006258.4(PRKG1):c.1174G>A (p.Val392Ile)

Gene: PRKG1 (protein kinase cGMP-dependent 1; plus strand). Cytogenetic location: 10q21.1.
Variant type: single nucleotide variant.
Coding change: c.1174G>A on transcript NM_006258.4 (MANE Select); coding-DNA position 1174, G replaced by A.
Protein change: p.Val392Ile; replaces valine 392 with isoleucine.
Molecular consequence: missense variant. On other transcripts: 5 prime UTR variant (1).
Genome position (GRCh38, 1-based): chr10:52,271,350, G>A. VCF-style: chr10-52271350-G-A. GRCh37 (hg19) VCF-style: chr10-54031110-G-A.
Other names: c.1129G>A, p.Val377Ile (NM_001098512.3); c.-36G>A (NM_001374781.1); short protein forms V377I, V392I.
Identifiers: ClinVar variation 2150492 (VCV002150492.4), dbSNP rs1194004965, ClinGen allele CA376535157.

ClinVar aggregate classification (germline): Uncertain significance (1 of 4 stars; one submission).

Conditions:
Aortic aneurysm, familial thoracic 8 (AAT8). Identifiers: MedGen C3809513, MONDO:0014187, OMIM 615436.

Allele frequency attached by ClinVar (database versions not stated): gnomAD exomes below 0.00001; TOPMed below 0.00001; gnomAD 0.00001.

Submission:

Labcorp Genetics (formerly Invitae), Labcorp
Classification: Uncertain significance for Aortic aneurysm, familial thoracic 8. Last evaluated: 2023-10-19. Review status: criteria provided, single submitter. Criteria: Invitae Variant Classification Sherloc (09022015). Collection method: clinical testing. Allele origin: germline.
Comment: This sequence change replaces valine, which is neutral and non-polar, with isoleucine, which is neutral and non-polar, at codon 392 of the PRKG1 protein (p.Val392Ile). This variant is not present in population databases (gnomAD no frequency). This variant has not been reported in the literature in individuals affected with PRKG1-related conditions. ClinVar contains an entry for this variant (Variation ID: 2150492). An algorithm developed to predict the effect of missense changes on protein structure and function (PolyPhen-2) suggests that this variant is likely to be disruptive. In summary, the available evidence is currently insufficient to determine the role of this variant in disease. Therefore, it has been classified as a Variant of Uncertain Significance.